The following is an entry in ClinVar:

ClinVar aggregate classification (germline): Conflicting classifications of pathogenicity. Review status: criteria provided, conflicting classifications (1 of 4 stars). 2 submissions from 2 submitters: Uncertain significance (1); Likely benign (1). Last evaluated 2024-08-19.

Conditions:
Landau-Kleffner syndrome (FESD). Also called: APHASIA, ACQUIRED, WITH EPILEPSY; EPILEPSY, FOCAL, WITH SPEECH DISORDER AND WITH OR WITHOUT MENTAL RETARDATION. Identifiers: Orphanet 1945, Orphanet 725, Orphanet 98818, MedGen C0282512, MONDO:0009509, OMIM 245570.

Allele frequency attached by ClinVar (database versions not stated): gnomAD exomes below 0.00001; TOPMed below 0.00001.
gnomAD v4.1: 4 of 1,613,564 alleles (0.00025%); highest among the groups gnomAD compares: Non-Finnish European, 0.00034%; no homozygotes.

Submissions (2):

GeneDx
Classification: Uncertain significance. Last evaluated: 2024-08-19. Review status: criteria provided, single submitter. Criteria: GeneDx Variant Classification Process June 2021. Collection method: clinical testing. Allele origin: germline. Affected: yes.
Comment: Not observed at significant frequency in large population cohorts (gnomAD); In silico analysis indicates that this missense variant does not alter protein structure/function; Has not been previously published as pathogenic or benign to our knowledge

Labcorp Genetics (formerly Invitae), Labcorp
Classification: Likely benign for Landau-Kleffner syndrome. Last evaluated: 2023-07-03. Review status: criteria provided, single submitter. Criteria: Invitae Variant Classification Sherloc (09022015). Collection method: clinical testing. Allele origin: germline.

NM_001134407.3(GRIN2A):c.3377C>G (p.Pro1126Arg)

Gene: GRIN2A (glutamate ionotropic receptor NMDA type subunit 2A; minus strand). Cytogenetic location: 16p13.2.
Variant type: single nucleotide variant.
Coding change: c.3377C>G on transcript NM_001134407.3 (MANE Select); coding-DNA position 3377, C replaced by G.
Protein change: p.Pro1126Arg; replaces proline 1126 with arginine.
Molecular consequence: missense variant.
Genome position (GRCh38, 1-based): chr16:9,764,167, G>C on the plus strand (C>G on the coding strand, the complement: GRIN2A is on the minus strand). VCF-style: chr16-9764167-G-C. GRCh37 (hg19) VCF-style: chr16-9858024-G-C.
Other names: c.3377C>G (NM_000833.3); c.3377C>G, p.Pro1126Arg (NM_000833.5, NM_001134408.2); short protein forms P1126R.
Identifiers: ClinVar variation 1378179 (VCV001378179.7), dbSNP rs1230714956, ClinGen allele CA394708000.